The following is an entry in ClinVar:

NM_000122.2(ERCC3):c.1165A>T (p.Ile389Phe)

Gene: ERCC3 (ERCC excision repair 3, TFIIH core complex helicase subunit; minus strand). Cytogenetic location: 2q14.3.
Variant type: single nucleotide variant.
Coding change: c.1165A>T on transcript NM_000122.2 (MANE Select); coding-DNA position 1165, A replaced by T.
Protein change: p.Ile389Phe; replaces isoleucine 389 with phenylalanine.
Molecular consequence: missense variant.
Genome position (GRCh38, 1-based): chr2:127,286,880, T>A on the plus strand (A>T on the coding strand, the complement: ERCC3 is on the minus strand). VCF-style: chr2-127286880-T-A. GRCh37 (hg19) VCF-style: chr2-128044456-T-A.
Other names: c.973A>T, p.Ile325Phe (NM_001303416.2, NM_001303418.2); short protein forms I325F, I389F.
Identifiers: ClinVar variation 1523369 (VCV001523369.7), dbSNP rs756167411, ClinGen allele CA1858339.

ClinVar aggregate classification (germline): Uncertain significance (1 of 4 stars; one submission).

Allele frequency attached by ClinVar (database versions not stated): gnomAD exomes below 0.00001; ExAC 0.00001.

Submission:

Labcorp Genetics (formerly Invitae), Labcorp
Classification: Uncertain significance. Last evaluated: 2025-01-13. Review status: criteria provided, single submitter. Criteria: Invitae Variant Classification Sherloc (09022015). Collection method: clinical testing. Allele origin: germline.
Comment: This sequence change replaces isoleucine, which is neutral and non-polar, with phenylalanine, which is neutral and non-polar, at codon 389 of the ERCC3 protein (p.Ile389Phe). This variant is present in population databases (rs756167411, gnomAD 0.002%). This variant has not been reported in the literature in individuals affected with ERCC3-related conditions. ClinVar contains an entry for this variant (Variation ID: 1523369). Invitae Evidence Modeling of protein sequence and biophysical properties (such as structural, functional, and spatial information, amino acid conservation, physicochemical variation, residue mobility, and thermodynamic stability) indicates that this missense variant is expected to disrupt ERCC3 protein function with a positive predictive value of 80%. In summary, the available evidence is currently insufficient to determine the role of this variant in disease. Therefore, it has been classified as a Variant of Uncertain Significance.